The following is an entry in ClinVar:

NM_001563.4(IMPG1):c.1588C>A (p.Pro530Thr)

Gene: IMPG1 (interphotoreceptor matrix proteoglycan 1; minus strand). Cytogenetic location: 6q14.1.
Variant type: single nucleotide variant.
Coding change: c.1588C>A on transcript NM_001563.4 (MANE Select); coding-DNA position 1588, C replaced by A.
Protein change: p.Pro530Thr; replaces proline 530 with threonine.
Molecular consequence: missense variant.
Genome position (GRCh38, 1-based): chr6:75,950,798, G>T on the plus strand (C>A on the coding strand, the complement: IMPG1 is on the minus strand). VCF-style: chr6-75950798-G-T. GRCh37 (hg19) VCF-style: chr6-76660515-G-T.
Other names: c.1354C>A, p.Pro452Thr (NM_001282368.2); c.1588C>A (NM_001563.3); short protein forms P452T, P530T.
Identifiers: ClinVar variation 1038423 (VCV001038423.9), dbSNP rs201155813, ClinGen allele CA3898085.
Genomic context (GRCh38, chr6:75,950,798, plus strand): 5'-TATCCTCCAAGAAATGATCTGGGACAGAAACATATTCGCTGAGCTCTGGTACCTCAGATG[G>T]GGCAGGAGTGTCAGACAGATCCATTTCATCTAGGTGTCTGACCATATCTTCGCCACCTGC-3'
Protein context (NP_001554.2, residues 520-540): DEMDLSDTPA[Pro530Thr]SEVPELSEYV

ClinVar aggregate classification (germline): Conflicting classifications of pathogenicity. Review status: criteria provided, conflicting classifications (1 of 4 stars). 3 submissions from 3 submitters: Uncertain significance (1); Benign (1); Likely benign (1). Last evaluated 2026-05-12.

Conditions:
IMPG1-related disorder. Also called: IMPG1-related condition.

Allele frequency attached by ClinVar (database versions not stated): ESP Exome Variant Server 0.00008; gnomAD 0.00013 and 0.00015; TOPMed 0.00013; ExAC 0.00026; gnomAD exomes 0.00026; 1000 Genomes Project 30x 0.00062; 1000 Genomes Project 0.00080.
gnomAD v4.1: 194 of 1,613,902 alleles (0.012%); highest among the groups gnomAD compares: South Asian, 0.14%; 1 homozygote.

Submissions (3):

PreventionGenetics, part of Exact Sciences
Classification: Likely benign for IMPG1-related condition. Last evaluated: 2026-05-12. Review status: criteria provided, single submitter. Criteria: ACMG Guidelines, 2015. Collection method: clinical testing. Allele origin: germline.
Comment: This variant is classified as likely benign based on ACMG/AMP sequence variant interpretation guidelines (Richards et al. 2015 PMID: 25741868, with internal and published modifications).

Labcorp Genetics (formerly Invitae), Labcorp
Classification: Uncertain significance. Last evaluated: 2025-01-11. Review status: criteria provided, single submitter. Criteria: Invitae Variant Classification Sherloc (09022015). Collection method: clinical testing. Allele origin: germline.
Comment: This sequence change replaces proline, which is neutral and non-polar, with threonine, which is neutral and polar, at codon 530 of the IMPG1 protein (p.Pro530Thr). This variant is present in population databases (rs201155813, gnomAD 0.2%). This variant has not been reported in the literature in individuals affected with IMPG1-related conditions. ClinVar contains an entry for this variant (Variation ID: 1038423). An algorithm developed to predict the effect of missense changes on protein structure and function outputs the following: PolyPhen-2: "Benign". The threonine amino acid residue is found in multiple mammalian species, which suggests that this missense change does not adversely affect protein function. In summary, the available evidence is currently insufficient to determine the role of this variant in disease. Therefore, it has been classified as a Variant of Uncertain Significance.

Blueprint Genetics
Classification: Benign. Last evaluated: 2023-09-27. Review status: criteria provided, single submitter. Criteria: ACMG Guidelines, 2015. Collection method: clinical testing. Allele origin: germline.